The following is an entry in ClinVar:

NC_000001.11:g.(?_11949763)_(11952745_?)del

Gene: PLOD1 (procollagen-lysine,2-oxoglutarate 5-dioxygenase 1; plus strand). Cytogenetic location: 1p36.22.
Variant type: Deletion.
Identifiers: ClinVar variation 645355 (VCV000645355.11).

ClinVar aggregate classification (germline): Pathogenic (1 of 4 stars; one submission).

Conditions:
Ehlers-Danlos syndrome, kyphoscoliotic type 1 (EDSKSCL1). Also called: EHLERS-DANLOS SYNDROME, TYPE VIA; PLOD1-Related Kyphoscoliotic Ehlers-Danlos Syndrome; EHLERS-DANLOS SYNDROME, OCULAR-SCOLIOTIC TYPE; Ehlers-Danlos syndrome, hydroxylysine-deficient. Identifiers: Orphanet 1900, MedGen C0268342, MONDO:0016002, OMIM 225400. Disease mechanism: loss of function.

Submission:

Labcorp Genetics (formerly Invitae), Labcorp
Classification: Pathogenic for Ehlers-Danlos syndrome, kyphoscoliotic type 1. Last evaluated: 2022-11-15. Review status: criteria provided, single submitter. Criteria: Invitae Variant Classification Sherloc (09022015). Collection method: clinical testing. Allele origin: germline.
Comment: For these reasons, this variant has been classified as Pathogenic. Experimental studies and prediction algorithms are not available or were not evaluated, and the functional significance of this variant is currently unknown. A similar copy number variant has been observed in individual(s) with Ehlers-Danlos syndrome (Invitae). In at least one individual the data is consistent with being in trans (on the opposite chromosome) from a pathogenic variant. It has also been observed to segregate with disease in related individuals. This variant is a gross deletion of the genomic region encompassing exon(s) 3-5 of the PLOD1 gene. This variant would be expected to be in-frame, preserving the integrity of the reading frame.